The following is an entry in ClinVar:

NM_000268.4(NF2):c.1031A>G (p.Gln344Arg)

Gene: NF2 (NF2, moesin-ezrin-radixin like (MERLIN) tumor suppressor; plus strand). Cytogenetic location: 22q12.2.
Variant type: single nucleotide variant.
Coding change: c.1031A>G on transcript NM_000268.4 (MANE Select); coding-DNA position 1031, A replaced by G.
Protein change: p.Gln344Arg; replaces glutamine 344 with arginine.
Molecular consequence: missense variant. On other transcripts: intron variant (1).
Genome position (GRCh38, 1-based): chr22:29,671,857, A>G. VCF-style: chr22-29671857-A-G. GRCh37 (hg19) VCF-style: chr22-30067846-A-G.
Other names: c.905A>G, p.Gln302Arg (NM_001407055.1, NM_181828.3); c.917A>G, p.Gln306Arg (NM_001407056.1, NM_001407053.1); c.896A>G, p.Gln299Arg (NM_001407057.1, NM_001407059.1); c.908A>G, p.Gln303Arg (NM_001407058.1, NM_181829.3, NM_001407054.1); c.1031A>G, p.Gln344Arg (NM_001407060.1, NM_001407066.1, NM_016418.5 and 2 more transcripts); c.773A>G, p.Gln258Arg (NM_001407062.1); c.782A>G, p.Gln261Arg (NM_001407063.1, NM_001407064.1, NM_181830.3 and 1 more transcripts); c.497A>G, p.Gln166Arg (NM_001407065.1); and 2 more; short protein forms Q166R, Q258R, Q306R, Q299R, Q302R, Q303R, Q261R, Q267R.
Identifiers: ClinVar variation 2775465 (VCV002775465.5), dbSNP rs2147071970, ClinGen allele CA411146814.

ClinVar aggregate classification (germline): Uncertain significance. Review status: criteria provided, multiple submitters, no conflicts (2 of 4 stars). 3 submissions from 3 submitters: Uncertain significance (3). Last evaluated 2025-12-21.

Conditions:
Hereditary cancer-predisposing syndrome. Also called: Neoplastic Syndromes, Hereditary; Hereditary neoplastic syndrome; Hereditary Cancer Syndrome; Tumor predisposition. Identifiers: Orphanet 140162, MedGen C0027672, MeSH D009386, MONDO:0015356.
Neurofibromatosis, type 2 (SWNV). Also called: BILATERAL ACOUSTIC NEUROFIBROMATOSIS; NF2-Related Schwannomatosis; SCHWANNOMATOSIS, VESTIBULAR. Identifiers: Orphanet 637, MedGen C0027832, MONDO:0007039, OMIM 101000. Disease mechanism: loss of function.

Submissions (3):

Labcorp Genetics (formerly Invitae), Labcorp
Classification: Uncertain significance for Neurofibromatosis, type 2. Last evaluated: 2025-12-21. Review status: criteria provided, single submitter. Criteria: Invitae Variant Classification Sherloc (09022015). Collection method: clinical testing. Allele origin: germline.
Comment: This sequence change replaces glutamine, which is neutral and polar, with arginine, which is basic and polar, at codon 344 of the NF2 protein (p.Gln344Arg). This variant is not present in population databases (gnomAD no frequency). This variant has not been reported in the literature in individuals affected with NF2-related conditions. ClinVar contains an entry for this variant (Variation ID: 2775465). Invitae Evidence Modeling of protein sequence and biophysical properties (such as structural, functional, and spatial information, amino acid conservation, physicochemical variation, residue mobility, and thermodynamic stability) indicates that this missense variant is not expected to disrupt NF2 protein function with a negative predictive value of 80%. In summary, the available evidence is currently insufficient to determine the role of this variant in disease. Therefore, it has been classified as a Variant of Uncertain Significance.

All of Us Research Program, National Institutes of Health
Classification: Uncertain significance for Neurofibromatosis, type 2. Last evaluated: 2024-03-05. Review status: criteria provided, single submitter. Criteria: ACMG Guidelines, 2015. Collection method: clinical testing. Allele origin: germline. Inheritance: Autosomal dominant inheritance. Observed: 1 variant allele, 1 heterozygote.
Comment: This study involves interpretation of variants in research participants for the purpose of population health screening. Participant phenotype was not available at the time of variant classification. Additional details can be found in publication PMID: 35346344, PMCID: PMC8962531

Ambry Genetics
Classification: Uncertain significance for Hereditary cancer-predisposing syndrome. Last evaluated: 2024-02-24. Review status: criteria provided, single submitter. Criteria: Ambry Variant Classification Scheme 2023. Collection method: clinical testing. Allele origin: germline.
Comment: The p.Q344R variant (also known as c.1031A>G), located in coding exon 11 of the NF2 gene, results from an A to G substitution at nucleotide position 1031. The glutamine at codon 344 is replaced by arginine, an amino acid with highly similar properties. This amino acid position is conserved. In addition, the in silico prediction for this alteration is inconclusive. Based on the available evidence, the clinical significance of this alteration remains unclear.